The following is an entry in ClinVar:

NM_001845.6(COL4A1):c.263G>C (p.Gly88Ala)

Gene: COL4A1 (collagen type IV alpha 1 chain; minus strand). Cytogenetic location: 13q34.
Variant type: single nucleotide variant.
Coding change: c.263G>C on transcript NM_001845.6 (MANE Select); coding-DNA position 263, G replaced by C.
Protein change: p.Gly88Ala; replaces glycine 88 with alanine.
Molecular consequence: missense variant.
Genome position (GRCh38, 1-based): chr13:110,213,798, C>G on the plus strand (G>C on the coding strand, the complement: COL4A1 is on the minus strand). VCF-style: chr13-110213798-C-G. GRCh37 (hg19) VCF-style: chr13-110866145-C-G.
Other names: c.263G>C, p.Gly88Ala (NM_001303110.2); short protein forms G88A.
Identifiers: ClinVar variation 2629690 (VCV002629690.1), dbSNP rs2501607145, ClinGen allele CA388726937.
Genomic context (GRCh38, chr13:110,213,798, plus strand): 5'-TCCCACGCATGGAATCATCGATTGTGAGTAGCAACTGTACTCACTCTTGTCCCTTTTGTT[C>G]CAGGTAGTCCTGGTTCTCCAGTATCACCCTGGAACAGAATAGAAATGCCATTGTCATTGA-3'
Protein context (NP_001836.3, residues 78-98): KGDTGEPGLP[Gly88Ala]TKGTRGPPGA

ClinVar aggregate classification (germline): Uncertain significance (1 of 4 stars; one submission).

Conditions:
COL4A1-related disorder. Also called: COL4A1-related condition; COL4A1-related disorders. Identifiers: MedGen CN376119, MONDO:0800461.

Submission:

PreventionGenetics, part of Exact Sciences
Classification: Uncertain significance for COL4A1-related condition. Last evaluated: 2022-12-19. Review status: criteria provided, single submitter. Criteria: ACMG Guidelines, 2015. Collection method: clinical testing. Allele origin: germline.
Comment: The COL4A1 c.263G>C variant is predicted to result in the amino acid substitution p.Gly88Ala. This variant disrupts a glycine (Gly) residue within the collagen triple helix domain (Gly-X-Y) of exon 4. To our knowledge, this variant has not been reported in the literature or in a large population database, indicating this variant is rare. Pathogenic glycine changes in the triple helical domain of COL4A1 exon 4 have not been well documented (Human Gene Mutation Database). Although we suspect that this variant may be pathogenic, at this time, the clinical significance of this variant is uncertain due to the absence of conclusive functional and genetic evidence.